The following is an entry in ClinVar:

ClinVar aggregate classification (germline): Uncertain significance (1 of 4 stars; one submission).

Conditions:
Aicardi-Goutieres syndrome 6 (AGS6). Identifiers: Orphanet 51, MedGen C3539013, MONDO:0014007, OMIM 615010.
Symmetrical dyschromatosis of extremities (DSH). Also called: Dyschromatosis symmetrica hereditaria; DYSCHROMATOSIS SYMMETRICA HEREDITARIA 1; RETICULATE ACROPIGMENTATION OF DOHI; SYMMETRIC DYSCHROMATOSIS OF THE EXTREMITIES. Identifiers: Orphanet 41, MedGen C0406775, MONDO:0007483, OMIM 127400.

Submission:

Labcorp Genetics (formerly Invitae), Labcorp
Classification: Uncertain significance for Aicardi-Goutieres syndrome 6; Symmetrical dyschromatosis of extremities. Last evaluated: 2026-01-23. Review status: criteria provided, single submitter. Criteria: Invitae Variant Classification Sherloc (09022015). Collection method: clinical testing. Allele origin: germline.
Comment: This sequence change replaces tyrosine, which is neutral and polar, with histidine, which is basic and polar, at codon 1192 of the ADAR protein (p.Tyr1192His). This variant is not present in population databases (gnomAD no frequency). This variant has not been reported in the literature in individuals affected with ADAR-related conditions. Invitae Evidence Modeling of protein sequence and biophysical properties (such as structural, functional, and spatial information, amino acid conservation, physicochemical variation, residue mobility, and thermodynamic stability) indicates that this missense variant is not expected to disrupt ADAR protein function with a negative predictive value of 80%. In summary, the available evidence is currently insufficient to determine the role of this variant in disease. Therefore, it has been classified as a Variant of Uncertain Significance.

NM_001111.5(ADAR):c.3574T>C (p.Tyr1192His)

Gene: ADAR (adenosine deaminase RNA specific; minus strand). Cytogenetic location: 1q21.3.
Variant type: single nucleotide variant.
Coding change: c.3574T>C on transcript NM_001111.5 (MANE Select); coding-DNA position 3574, T replaced by C.
Protein change: p.Tyr1192His; replaces tyrosine 1192 with histidine.
Molecular consequence: missense variant.
Genome position (GRCh38, 1-based): chr1:154,584,913, A>G on the plus strand (T>C on the coding strand, the complement: ADAR is on the minus strand). VCF-style: chr1-154584913-A-G. GRCh37 (hg19) VCF-style: chr1-154557389-A-G.
Other names: c.2689T>C, p.Tyr897His (NM_001025107.3, NM_001193495.2, NM_001365046.1 and 2 more transcripts); c.3601T>C, p.Tyr1201His (NM_001365045.1); c.2611T>C, p.Tyr871His (NM_001365049.1); c.3496T>C, p.Tyr1166His (NM_015840.4); c.3439T>C, p.Tyr1147His (NM_015841.4); short protein forms Y1192H, Y1201H, Y897H, Y1147H, Y1166H, Y871H.
Identifiers: ClinVar variation 4782878 (VCV004782878.1).
Genomic context (GRCh38, chr1:154,584,913, plus strand): 5'-TCCAGTTCCCATAGCCCATATCCTTCAGGCCTTTTTTGAAGTAGTTCTTGGCCGTCTCGT[A>G]GTCACGGGCAGCTTTCTTGGCCTCACCATAGGAGAGTCTCAGTAGATCCCTGCGGTAACG-3'
Protein context (NP_001102.3, residues 1182-1202): YGEAKKAARD[Tyr1192His]ETAKNYFKKG